The following is an entry in ClinVar:

ClinVar aggregate classification (germline): Likely benign. Review status: criteria provided, multiple submitters, no conflicts (2 of 4 stars). 2 submissions from 2 submitters: Likely benign (2). Last evaluated 2023-12-10.

Conditions:
3-methylcrotonyl-CoA carboxylase 2 deficiency. Also called: METHYLCROTONYLGLYCINURIA, TYPE II; 3 alpha methylcrotonyl-CoA carboxylase 2 deficiency; 3 alpha methylcrotonylglycinuria 2; MCC 2 deficiency; Methylcrotonylglycinuria type 2. Identifiers: Orphanet 6, MedGen C1859499, MONDO:0008862, OMIM 210210.

Allele frequency attached by ClinVar (database versions not stated): TOPMed below 0.00001; gnomAD 0.00001; gnomAD exomes 0.00001; ExAC 0.00002.
gnomAD v4.1: 12 of 1,588,044 alleles (0.00076%); highest among the groups gnomAD compares: Non-Finnish European, 0.00095%; no homozygotes.

Submissions (2):

Labcorp Genetics (formerly Invitae), Labcorp
Classification: Likely benign for 3-methylcrotonyl-CoA carboxylase 2 deficiency. Last evaluated: 2023-12-10. Review status: criteria provided, single submitter. Criteria: Invitae Variant Classification Sherloc (09022015). Collection method: clinical testing. Allele origin: germline.

GeneDx
Classification: Likely benign. Last evaluated: 2016-07-22. Review status: criteria provided, single submitter. Criteria: GeneDx Variant Classification (06012015). Collection method: clinical testing. Allele origin: germline. Affected: yes.
Comment: This variant is considered likely benign or benign based on one or more of the following criteria: it is a conservative change, it occurs at a poorly conserved position in the protein, it is predicted to be benign by multiple in silico algorithms, and/or has population frequency not consistent with disease.

NM_022132.5(MCCC2):c.1374-19C>A

Gene: MCCC2 (methylcrotonyl-CoA carboxylase subunit 2; plus strand). Cytogenetic location: 5q13.2.
Variant type: single nucleotide variant.
Coding change: c.1374-19C>A on transcript NM_022132.5 (MANE Select); 19 bases into the intron before coding-DNA position 1374, C replaced by A.
Molecular consequence: intron variant.
Genome position (GRCh38, 1-based): chr5:71,650,050, C>A. VCF-style: chr5-71650050-C-A. GRCh37 (hg19) VCF-style: chr5-70945877-C-A.
Other names: c.1260-19C>A (NM_001363147.1).
Identifiers: ClinVar variation 387371 (VCV000387371.4), dbSNP rs761903116, ClinGen allele CA3298134.